The following is an entry in ClinVar:

ClinVar aggregate classification (germline): Uncertain significance (1 of 4 stars; one submission).

Allele frequency attached by ClinVar (database versions not stated): gnomAD exomes below 0.00001; ExAC 0.00001.
gnomAD v4.1: 4 of 1,612,802 alleles (0.00025%); highest among the groups gnomAD compares: Non-Finnish European, 0.00034%; no homozygotes.

Submission:

Labcorp Genetics (formerly Invitae), Labcorp
Classification: Uncertain significance. Last evaluated: 2023-01-26. Review status: criteria provided, single submitter. Criteria: Invitae Variant Classification Sherloc (09022015). Collection method: clinical testing. Allele origin: germline.
Comment: This variant has not been reported in the literature in individuals affected with GUCY2C-related conditions. This variant is present in population databases (rs761013103, gnomAD 0.0009%). This sequence change replaces lysine, which is basic and polar, with arginine, which is basic and polar, at codon 242 of the GUCY2C protein (p.Lys242Arg). Advanced modeling of protein sequence and biophysical properties (such as structural, functional, and spatial information, amino acid conservation, physicochemical variation, residue mobility, and thermodynamic stability) performed at Invitae indicates that this missense variant is not expected to disrupt GUCY2C protein function. In summary, the available evidence is currently insufficient to determine the role of this variant in disease. Therefore, it has been classified as a Variant of Uncertain Significance.

NM_004963.4(GUCY2C):c.725A>G (p.Lys242Arg)

Genes: GUCY2C (guanylate cyclase 2C; minus strand), GUCY2C-AS1 (GUCY2C antisense RNA 1; plus strand). Cytogenetic location: 12p12.3.
Variant type: single nucleotide variant.
Coding change: c.725A>G on transcript NM_004963.4 (MANE Select); coding-DNA position 725, A replaced by G.
Protein change: p.Lys242Arg; replaces lysine 242 with arginine.
Molecular consequence: missense variant.
Genome position (GRCh38, 1-based): chr12:14,681,364, T>C on the plus strand (A>G on the coding strand, the complement: GUCY2C is on the minus strand). VCF-style: chr12-14681364-T-C. GRCh37 (hg19) VCF-style: chr12-14834298-T-C.
Other names: short protein forms K242R.
Identifiers: ClinVar variation 2983072 (VCV002983072.3), dbSNP rs761013103, ClinGen allele CA6463683.